The following is an entry in ClinVar:

ClinVar aggregate classification (germline): Likely benign (1 of 4 stars; one submission).

Submission:

CeGaT Center for Human Genetics Tuebingen
Classification: Likely benign. Last evaluated: 2026-02-01. Review status: criteria provided, single submitter. Criteria: CeGaT Center For Human Genetics Tuebingen Variant Classification Criteria Version 2. Collection method: clinical testing. Allele origin: germline. Affected: yes. Observed: 2 variant alleles.
Comment: ZNF208: BP4, BP7

NM_007153.3(ZNF208):c.978A>C (p.Ser326=)

Gene: ZNF208 (zinc finger protein 208; minus strand). Cytogenetic location: 19p12.
Variant type: single nucleotide variant.
Coding change: c.978A>C on transcript NM_007153.3 (MANE Select); coding-DNA position 978, A replaced by C.
Protein change: p.Ser326=; no amino-acid change (serine 326 retained).
Molecular consequence: synonymous variant. On other transcripts: intron variant (4).
Genome position (GRCh38, 1-based): chr19:21,974,056, T>G on the plus strand (A>C on the coding strand, the complement: ZNF208 is on the minus strand). VCF-style: chr19-21974056-T-G. GRCh37 (hg19) VCF-style: chr19-22156858-T-G.
Other names: c.226+13160A>C (NM_001329974.2, NM_001329972.1); c.305+673A>C (NM_001329971.2, NM_001329973.1).
Identifiers: ClinVar variation 4083866 (VCV004083866.8).